The following is an entry in ClinVar:

ClinVar aggregate classification (germline): Benign/Likely benign. Review status: criteria provided, multiple submitters, no conflicts (2 of 4 stars). 6 submissions from 6 submitters: Benign (2); Likely benign (3). 1 of the submissions does not count toward it. Last evaluated 2026-01-28.

Conditions:
Hereditary cancer-predisposing syndrome. Also called: Tumor predisposition; Hereditary neoplastic syndrome; Neoplastic Syndromes, Hereditary; Hereditary Cancer Syndrome. Identifiers: Orphanet 140162, MedGen C0027672, MeSH D009386, MONDO:0015356.
Oligodontia-cancer predisposition syndrome. Also called: TOOTH AGENESIS-COLORECTAL CANCER SYNDROME. Identifiers: Orphanet 300576, MedGen C1837750, MONDO:0012075, OMIM 608615. Disease mechanism: loss of function.
AXIN2-related disorder.

Allele frequency attached by ClinVar (database versions not stated): ExAC 0.00002; gnomAD exomes 0.00002 and 0.00005; gnomAD 0.00007; ESP Exome Variant Server 0.00008; TOPMed 0.00008.
gnomAD v4.1: 83 of 1,608,352 alleles (0.0052%); highest among the groups gnomAD compares: African/African-American, 0.016%; no homozygotes.

Submissions (6):

Labcorp Genetics (formerly Invitae), Labcorp
Classification: Likely benign for Oligodontia-cancer predisposition syndrome. Last evaluated: 2026-01-28. Review status: criteria provided, single submitter. Criteria: Invitae Variant Classification Sherloc (09022015). Collection method: clinical testing. Allele origin: germline.

KCCC/NGS Laboratory, Kuwait Cancer Control Center
Classification: Benign for Oligodontia-cancer predisposition syndrome. Last evaluated: 2025-02-01. Review status: criteria provided, single submitter. Criteria: ACMG Guidelines, 2015. Collection method: clinical testing. Allele origin: germline. Affected: no.

Myriad Genetics, Inc.
Classification: Benign for Oligodontia-cancer predisposition syndrome. Last evaluated: 2024-06-28. Review status: criteria provided, single submitter. Criteria: Myriad Autosomal Dominant, Autosomal Recessive and X-Linked Classification Criteria (2023). Collection method: clinical testing. Allele origin: unknown.
Comment: This variant is considered benign. This variant is a silent/synonymous amino acid change and it is not expected to impact splicing.

GeneDx
Classification: Likely benign. Last evaluated: 2020-09-29. Review status: criteria provided, single submitter. Criteria: GeneDx Variant Classification Process June 2021. Collection method: clinical testing. Allele origin: germline. Affected: yes.

Ambry Genetics
Classification: Likely benign for Hereditary cancer-predisposing syndrome. Last evaluated: 2019-09-30. Review status: criteria provided, single submitter. Criteria: Ambry Variant Classification Scheme 2023. Collection method: clinical testing. Allele origin: germline.

PreventionGenetics, part of Exact Sciences
Classification: Likely benign for AXIN2-related condition. Last evaluated: 2022-11-23. Review status: no assertion criteria provided. Collection method: clinical testing. Allele origin: germline. Not counted in ClinVar's aggregate classification.
Comment: This variant is classified as likely benign based on ACMG/AMP sequence variant interpretation guidelines (Richards et al. 2015 PMID: 25741868, with internal and published modifications).

NM_004655.4(AXIN2):c.894C>T (p.Asn298=)

Gene: AXIN2 (axin 2; minus strand). Cytogenetic location: 17q24.1.
Variant type: single nucleotide variant.
Coding change: c.894C>T on transcript NM_004655.4 (MANE Select); coding-DNA position 894, C replaced by T.
Protein change: p.Asn298=; no amino-acid change (asparagine 298 retained).
Molecular consequence: synonymous variant.
Genome position (GRCh38, 1-based): chr17:65,549,582, G>A on the plus strand (C>T on the coding strand, the complement: AXIN2 is on the minus strand). VCF-style: chr17-65549582-G-A. GRCh37 (hg19) VCF-style: chr17-63545700-G-A.
Other names: c.894C>T, p.Asn298= (NM_001363813.1); c.894C>T (LRG_296t1).
Identifiers: ClinVar variation 379270 (VCV000379270.21), dbSNP rs368689290, ClinGen allele CA8718949.